The following is an entry in ClinVar:

ClinVar aggregate classification (germline): Uncertain significance (1 of 4 stars; one submission).

gnomAD v4.1: 1 of 1,567,780 alleles (0.000064%); highest among the groups gnomAD compares: East Asian, 0.0024%; no homozygotes.

Submission:

Labcorp Genetics (formerly Invitae), Labcorp
Classification: Uncertain significance. Last evaluated: 2025-03-13. Review status: criteria provided, single submitter. Criteria: Invitae Variant Classification Sherloc (09022015). Collection method: clinical testing. Allele origin: germline.
Comment: This sequence change falls in intron 23 of the COL9A3 gene. It does not directly change the encoded amino acid sequence of the COL9A3 protein. It affects a nucleotide within the consensus splice site. This variant is not present in population databases (gnomAD no frequency). This variant has not been reported in the literature in individuals affected with COL9A3-related conditions. Variants that disrupt the consensus splice site are a relatively common cause of aberrant splicing (PMID: 17576681, 9536098). Algorithms developed to predict the effect of sequence changes on RNA splicing suggest that this variant may disrupt the consensus splice site. In summary, the available evidence is currently insufficient to determine the role of this variant in disease. Therefore, it has been classified as a Variant of Uncertain Significance.

Literature cited by the submitters: PubMed 17576681; PubMed 9536098.

NM_001853.4(COL9A3):c.1215+5G>A

Gene: COL9A3 (collagen type IX alpha 3 chain; plus strand). Cytogenetic location: 20q13.33.
Variant type: single nucleotide variant.
Coding change: c.1215+5G>A on transcript NM_001853.4 (MANE Select); 5 bases into the intron after coding-DNA position 1215, G replaced by A.
Molecular consequence: intron variant.
Genome position (GRCh38, 1-based): chr20:62,830,418, G>A. VCF-style: chr20-62830418-G-A. GRCh37 (hg19) VCF-style: chr20-61461770-G-A.
Identifiers: ClinVar variation 4767965 (VCV004767965.1).